The following is an entry in ClinVar:

NM_018706.7(DHTKD1):c.329A>G (p.Lys110Arg)

Gene: DHTKD1 (dehydrogenase E1 and transketolase domain containing 1; plus strand). Cytogenetic location: 10p14.
Variant type: single nucleotide variant.
Coding change: c.329A>G on transcript NM_018706.7 (MANE Select); coding-DNA position 329, A replaced by G.
Protein change: p.Lys110Arg; replaces lysine 110 with arginine.
Molecular consequence: missense variant.
Genome position (GRCh38, 1-based): chr10:12,084,558, A>G. VCF-style: chr10-12084558-A-G. GRCh37 (hg19) VCF-style: chr10-12126557-A-G.
Other names: short protein forms K110R.
Identifiers: ClinVar variation 2976514 (VCV002976514.4), dbSNP rs369183622, ClinGen allele CA202580701.

ClinVar aggregate classification (germline): Uncertain significance. Review status: criteria provided, multiple submitters, no conflicts (2 of 4 stars). 2 submissions from 2 submitters: Uncertain significance (2). Last evaluated 2025-12-15.

Conditions:
2-aminoadipic 2-oxoadipic aciduria (AAKAD). Also called: Aminoadipic aciduria; ALPHA-AMINOADIPIC AND ALPHA-KETOADIPIC ACIDURIA. Identifiers: Orphanet 79154, MedGen C1859817, MONDO:0008774, OMIM 204750.

Allele frequency attached by ClinVar (database versions not stated): TOPMed below 0.00001; gnomAD 0.00001; gnomAD exomes 0.00001; ESP Exome Variant Server 0.00008.
gnomAD v4.1: 12 of 1,608,630 alleles (0.00075%); highest among the groups gnomAD compares: Non-Finnish European, 0.00094%; no homozygotes.

Submissions (2):

Labcorp Genetics (formerly Invitae), Labcorp
Classification: Uncertain significance for 2-aminoadipic 2-oxoadipic aciduria. Last evaluated: 2025-12-15. Review status: criteria provided, single submitter. Criteria: Invitae Variant Classification Sherloc (09022015). Collection method: clinical testing. Allele origin: germline.
Comment: This sequence change replaces lysine, which is basic and polar, with arginine, which is basic and polar, at codon 110 of the DHTKD1 protein (p.Lys110Arg). This variant is not present in population databases (gnomAD no frequency). This variant has not been reported in the literature in individuals affected with DHTKD1-related conditions. ClinVar contains an entry for this variant (Variation ID: 2976514). An algorithm developed to predict the effect of missense changes on protein structure and function (PolyPhen-2) suggests that this variant is likely to be tolerated. In summary, the available evidence is currently insufficient to determine the role of this variant in disease. Therefore, it has been classified as a Variant of Uncertain Significance.

Blueprint Genetics
Classification: Uncertain significance. Last evaluated: 2020-12-28. Review status: criteria provided, single submitter. Criteria: ACMG Guidelines, 2015. Collection method: clinical testing. Allele origin: germline.